The following is an entry in ClinVar:

NM_206937.2(LIG4):c.1487A>G (p.Lys496Arg)

Gene: LIG4 (DNA ligase 4; minus strand). Cytogenetic location: 13q33.3.
Variant type: single nucleotide variant.
Coding change: c.1487A>G on transcript NM_206937.2 (MANE Select); coding-DNA position 1487, A replaced by G.
Protein change: p.Lys496Arg; replaces lysine 496 with arginine.
Molecular consequence: missense variant.
Genome position (GRCh38, 1-based): chr13:108,209,782, T>C on the plus strand (A>G on the coding strand, the complement: LIG4 is on the minus strand). VCF-style: chr13-108209782-T-C. GRCh37 (hg19) VCF-style: chr13-108862130-T-C.
Other names: c.1487A>G, p.Lys496Arg (NM_001098268.2, NM_001352598.2, NM_001352599.2 and 6 more transcripts); c.1286A>G, p.Lys429Arg (NM_001330595.2); c.1523A>G, p.Lys508Arg (NM_001352604.2); short protein forms K496R, K429R, K508R.
Identifiers: ClinVar variation 3649187 (VCV003649187.2).

ClinVar aggregate classification (germline): Uncertain significance (1 of 4 stars; one submission).

Conditions:
DNA ligase IV deficiency. Identifiers: Orphanet 99812, MedGen C1847827, MONDO:0011686, OMIM 606593.

Submission:

Labcorp Genetics (formerly Invitae), Labcorp
Classification: Uncertain significance for DNA ligase IV deficiency. Last evaluated: 2024-04-15. Review status: criteria provided, single submitter. Criteria: Invitae Variant Classification Sherloc (09022015). Collection method: clinical testing. Allele origin: germline.
Comment: This sequence change replaces lysine, which is basic and polar, with arginine, which is basic and polar, at codon 496 of the LIG4 protein (p.Lys496Arg). This variant is not present in population databases (gnomAD no frequency). This variant has not been reported in the literature in individuals affected with LIG4-related conditions. Algorithms developed to predict the effect of missense changes on protein structure and function output the following: SIFT: "Not Available"; PolyPhen-2: "Benign"; Align-GVGD: "Not Available". The arginine amino acid residue is found in multiple mammalian species, which suggests that this missense change does not adversely affect protein function. In summary, the available evidence is currently insufficient to determine the role of this variant in disease. Therefore, it has been classified as a Variant of Uncertain Significance.